The following is an entry in ClinVar:

ClinVar aggregate classification (germline): Uncertain significance (1 of 4 stars; one submission).

Conditions:
Inborn genetic diseases. Identifiers: MedGen C0950123, MeSH D030342.

gnomAD v4.1: 2 of 1,614,036 alleles (0.00012%); highest among the groups gnomAD compares: African/African-American, 0.0027%; no homozygotes.

Submission:

Ambry Genetics
Classification: Uncertain significance for Inborn genetic diseases. Last evaluated: 2025-12-15. Review status: criteria provided, single submitter. Criteria: Ambry Variant Classification Scheme 2023. Collection method: clinical testing. Allele origin: germline.
Comment: The c.1648G>T (p.A550S) alteration is located in exon 16 (coding exon 15) of the UBTF gene. This alteration results from a G to T substitution at nucleotide position 1648, causing the alanine (A) at amino acid position 550 to be replaced by a serine (S). Based on data from gnomAD, the T allele has an overall frequency of 0.003% (1/31402) total alleles studied. The highest observed frequency was 0.012% (1/8714) of African alleles. Based on insufficient or conflicting evidence, the clinical significance of this alteration remains unclear.

NM_014233.4(UBTF):c.1648G>T (p.Ala550Ser)

Genes: ATXN7L3-AS1 (ATXN7L3 antisense RNA 1; plus strand), UBTF (upstream binding transcription factor; minus strand). Cytogenetic location: 17q21.31.
Variant type: single nucleotide variant.
Coding change: c.1648G>T on transcript NM_014233.4 (MANE Select); coding-DNA position 1648, G replaced by T.
Protein change: p.Ala550Ser; replaces alanine 550 with serine.
Molecular consequence: missense variant. On other transcripts: non-coding transcript variant (1).
Genome position (GRCh38, 1-based): chr17:44,209,712, C>A on the plus strand (G>T on the coding strand, the complement: UBTF is on the minus strand). VCF-style: chr17-44209712-C-A. GRCh37 (hg19) VCF-style: chr17-42287080-C-A.
Other names: c.1537G>T, p.Ala513Ser (NM_001076683.2, NM_001076684.3); short protein forms A513S, A550S.
Identifiers: ClinVar variation 4833677 (VCV004833677.1).